The following is an entry in ClinVar:

NM_002334.4(LRP4):c.3554A>T (p.Asp1185Val)

Gene: LRP4 (LDL receptor related protein 4; minus strand). Cytogenetic location: 11p11.2.
Variant type: single nucleotide variant.
Coding change: c.3554A>T on transcript NM_002334.4 (MANE Select); coding-DNA position 3554, A replaced by T.
Protein change: p.Asp1185Val; replaces aspartic acid 1185 with valine.
Molecular consequence: missense variant.
Genome position (GRCh38, 1-based): chr11:46,875,949, T>A on the plus strand (A>T on the coding strand, the complement: LRP4 is on the minus strand). VCF-style: chr11-46875949-T-A. GRCh37 (hg19) VCF-style: chr11-46897500-T-A.
Other names: short protein forms D1185V.
Identifiers: ClinVar variation 2113232 (VCV002113232.4), dbSNP rs2539730498, ClinGen allele CA380273637.

ClinVar aggregate classification (germline): Uncertain significance (1 of 4 stars; one submission).

Conditions:
Cenani-Lenz syndactyly syndrome. Also called: CENANI SYNDACTYLISM; SYNDACTYLY, TYPE VII. Identifiers: Orphanet 3258, MedGen C1859309, MONDO:0008931, OMIM 212780.
Sclerosteosis 2 (SOST2). Identifiers: Orphanet 3152, MedGen C3280402, MONDO:0013679, OMIM 614305.
Congenital myasthenic syndrome 17. Identifiers: Orphanet 590, MedGen C4225377, MONDO:0014578, OMIM 616304.

Submission:

Labcorp Genetics (formerly Invitae), Labcorp
Classification: Uncertain significance for Cenani-Lenz syndactyly syndrome; Sclerosteosis 2; Congenital myasthenic syndrome 17. Last evaluated: 2022-04-26. Review status: criteria provided, single submitter. Criteria: Invitae Variant Classification Sherloc (09022015). Collection method: clinical testing. Allele origin: germline.
Comment: In summary, the available evidence is currently insufficient to determine the role of this variant in disease. Therefore, it has been classified as a Variant of Uncertain Significance. Algorithms developed to predict the effect of missense changes on protein structure and function (SIFT, PolyPhen-2, Align-GVGD) all suggest that this variant is likely to be disruptive. This variant has not been reported in the literature in individuals affected with LRP4-related conditions. This variant is not present in population databases (gnomAD no frequency). This sequence change replaces aspartic acid, which is acidic and polar, with valine, which is neutral and non-polar, at codon 1185 of the LRP4 protein (p.Asp1185Val).